The following is an entry in ClinVar:

ClinVar aggregate classification (germline): Likely benign. Review status: criteria provided, multiple submitters, no conflicts (2 of 4 stars). 3 submissions from 3 submitters: Likely benign (3). Last evaluated 2025-12-20.

Conditions:
Neuroferritinopathy (NBIA3). Also called: BASAL GANGLIA DISEASE, ADULT-ONSET; NEURODEGENERATION WITH BRAIN IRON ACCUMULATION 3. Identifiers: Orphanet 157846, MedGen C1853578, MONDO:0011638, OMIM 606159.
Hereditary hyperferritinemia with congenital cataracts. Also called: HYPERFERRITINEMIA WITH OR WITHOUT CATARACT; Hereditary hyperferritinemia cataract syndrome; Bonneau-Beaumont syndrome. Identifiers: Orphanet 163, MedGen C1833213, MONDO:0010952, OMIM 600886.

Submissions (3):

Labcorp Genetics (formerly Invitae), Labcorp
Classification: Likely benign for Neuroferritinopathy; Hereditary hyperferritinemia with congenital cataracts. Last evaluated: 2025-12-20. Review status: criteria provided, single submitter. Criteria: Invitae Variant Classification Sherloc (09022015). Collection method: clinical testing. Allele origin: germline.

CeGaT Center for Human Genetics Tuebingen
Classification: Likely benign. Last evaluated: 2025-01-01. Review status: criteria provided, single submitter. Criteria: CeGaT Center For Human Genetics Tuebingen Variant Classification Criteria Version 2. Collection method: clinical testing. Allele origin: germline. Affected: yes. Observed: 1 variant allele.
Comment: FTL: BS1

Blueprint Genetics
Classification: Likely benign. Last evaluated: 2024-10-09. Review status: criteria provided, single submitter. Criteria: ACMG Guidelines, 2015. Collection method: clinical testing. Allele origin: germline.

NC_000019.10:g.48965306del

Gene: FTL (ferritin light chain; plus strand). Cytogenetic location: 19q13.33.
Variant type: Deletion.
Genome position: GRCh38 VCF-style: chr19-48965302-TC-T. GRCh37 (hg19) VCF-style: chr19-49468559-TC-T.
Identifiers: ClinVar variation 1617389 (VCV001617389.22), dbSNP rs748868187, ClinGen allele CA309374857.